The following is an entry in ClinVar:

ClinVar aggregate classification (germline): Likely benign (1 of 4 stars; one submission).

Submission:

CeGaT Center for Human Genetics Tuebingen
Classification: Likely benign. Last evaluated: 2026-06-01. Review status: criteria provided, single submitter. Criteria: CeGaT Center For Human Genetics Tuebingen Variant Classification Criteria Version 2. Collection method: clinical testing. Allele origin: germline. Affected: yes. Observed: 2 variant alleles.
Comment: ZBTB11: PM2:Supporting, BP4, BP7

NM_014415.4(ZBTB11):c.2655A>C (p.Pro885=)

Gene: ZBTB11 (zinc finger and BTB domain containing 11; minus strand). Cytogenetic location: 3q12.3.
Variant type: single nucleotide variant.
Coding change: c.2655A>C on transcript NM_014415.4 (MANE Select); coding-DNA position 2655, A replaced by C.
Protein change: p.Pro885=; no amino-acid change (proline 885 retained).
Molecular consequence: synonymous variant.
Genome position (GRCh38, 1-based): chr3:101,651,673, T>G on the plus strand (A>C on the coding strand, the complement: ZBTB11 is on the minus strand). VCF-style: chr3-101651673-T-G. GRCh37 (hg19) VCF-style: chr3-101370517-T-G.
Identifiers: ClinVar variation 3341929 (VCV003341929.16).